The following is an entry in ClinVar:

ClinVar aggregate classification (germline): Uncertain significance (1 of 4 stars; one submission).

Submission:

Labcorp Genetics (formerly Invitae), Labcorp
Classification: Uncertain significance. Last evaluated: 2022-03-02. Review status: criteria provided, single submitter. Criteria: Invitae Variant Classification Sherloc (09022015). Collection method: clinical testing. Allele origin: germline.
Comment: In summary, the available evidence is currently insufficient to determine the role of this variant in disease. Therefore, it has been classified as a Variant of Uncertain Significance. Algorithms developed to predict the effect of missense changes on protein structure and function (SIFT, PolyPhen-2, Align-GVGD) all suggest that this variant is likely to be disruptive. This variant has not been reported in the literature in individuals affected with RTTN-related conditions. This variant is not present in population databases (gnomAD no frequency). This sequence change replaces tyrosine, which is neutral and polar, with cysteine, which is neutral and slightly polar, at codon 672 of the RTTN protein (p.Tyr672Cys).

NM_173630.4(RTTN):c.2015A>G (p.Tyr672Cys)

Gene: RTTN (rotatin; minus strand). Cytogenetic location: 18q22.2.
Variant type: single nucleotide variant.
Coding change: c.2015A>G on transcript NM_173630.4 (MANE Select); coding-DNA position 2015, A replaced by G.
Protein change: p.Tyr672Cys; replaces tyrosine 672 with cysteine.
Molecular consequence: missense variant. On other transcripts: 5 prime UTR variant (1).
Genome position (GRCh38, 1-based): chr18:70,150,648, T>C on the plus strand (A>G on the coding strand, the complement: RTTN is on the minus strand). VCF-style: chr18-70150648-T-C. GRCh37 (hg19) VCF-style: chr18-67817884-T-C.
Other names: c.-633A>G (NM_001318520.2); short protein forms Y672C.
Identifiers: ClinVar variation 1361847 (VCV001361847.6), dbSNP rs2145794920, ClinGen allele CA402696597.
Genomic context (GRCh38, chr18:70,150,648, plus strand): 5'-ACTCATGTTTAATGTCATACCTCACTTTCGGGCTCTTGAATGCCAAATACAGAGATTTCA[T>C]ACAGAACTTTTGGATGAAGTAGAAAATGAATTCCATTGCAAAGTGAAGACACGGGTTTAG-3'
Protein context (NP_775901.3, residues 662-682): IHFLLHPKVL[Tyr672Cys]EISVFGIQEP